The following is an entry in ClinVar:

ClinVar aggregate classification (germline): Uncertain significance (1 of 4 stars; one submission).

Submission:

GeneDx
Classification: Uncertain significance. Last evaluated: 2019-12-31. Review status: criteria provided, single submitter. Criteria: GeneDx Variant Classification Process June 2021. Collection method: clinical testing. Allele origin: germline. Affected: yes.
Comment: Not observed in large population cohorts (Lek et al., 2016); Has not been previously published as pathogenic or benign to our knowledge

NM_001170535.3(ATAD3A):c.177_189del (p.Lys60fs)

Gene: ATAD3A (ATPase family AAA domain containing 3A; plus strand). Cytogenetic location: 1p36.33.
Variant type: Deletion.
Coding change: c.177_189del on transcript NM_001170535.3 (MANE Select); coding-DNA positions 177 to 189, 13 bases deleted (CAAGGCGGCGCGC).
Protein change: p.Lys60fs; shifts the reading frame from lysine 60.
Molecular consequence: frameshift variant.
Genome position (GRCh38, 1-based): chr1:1,512,445-1,512,457, CAAGGCGGCGCGC deleted; deleting any 13 consecutive bases within chr1:1,512,442-1,512,457 gives the same sequence; the c. name uses the placement nearest the transcript's 3' end. VCF-style (leftmost placement, unchanged base first): chr1-1512441-CCGCCAAGGCGGCG-C. GRCh37 (hg19) VCF-style: chr1-1447821-CCGCCAAGGCGGCG-C.
Other names: c.177_189del, p.Lys60fs (NM_018188.5); c.177_189delCAAGGCGGCGCGC (NM_001170535.1); short protein forms K60fs.
Identifiers: ClinVar variation 503862 (VCV000503862.3), dbSNP rs1553123762, ClinGen allele CA658795360.